The following is an entry in ClinVar:

ClinVar aggregate classification (germline): Likely benign. Review status: criteria provided, multiple submitters, no conflicts (2 of 4 stars). 2 submissions from 2 submitters: Likely benign (2). Last evaluated 2022-08-04.

Conditions:
Ehlers-Danlos syndrome, musculocontractural type 2 (EDSMC2). Identifiers: Orphanet 2953, MedGen C3809845, MONDO:0014236, OMIM 615539.

Submissions (2):

Labcorp Genetics (formerly Invitae), Labcorp
Classification: Likely benign for Ehlers-Danlos syndrome, musculocontractural type 2. Last evaluated: 2022-08-04. Review status: criteria provided, single submitter. Criteria: Invitae Variant Classification Sherloc (09022015). Collection method: clinical testing. Allele origin: germline.

GeneDx
Classification: Likely benign. Last evaluated: 2018-04-26. Review status: criteria provided, single submitter. Criteria: GeneDx Variant Classification (06012015). Collection method: clinical testing. Allele origin: germline. Affected: yes.
Comment: This variant is considered likely benign or benign based on one or more of the following criteria: it is a conservative change, it occurs at a poorly conserved position in the protein, it is predicted to be benign by multiple in silico algorithms, and/or has population frequency not consistent with disease.

NM_013352.4(DSE):c.1284T>C (p.Tyr428=)

Gene: DSE (dermatan sulfate epimerase; plus strand). Cytogenetic location: 6q22.1.
Variant type: single nucleotide variant.
Coding change: c.1284T>C on transcript NM_013352.4 (MANE Select); coding-DNA position 1284, T replaced by C.
Protein change: p.Tyr428=; no amino-acid change (tyrosine 428 retained).
Molecular consequence: synonymous variant. On other transcripts: 3 prime UTR variant (2), non-coding transcript variant (1).
Genome position (GRCh38, 1-based): chr6:116,435,752, T>C. VCF-style: chr6-116435752-T-C. GRCh37 (hg19) VCF-style: chr6-116756915-T-C.
Other names: c.1284T>C, p.Tyr428= (NM_001080976.3, NM_001322937.2, NM_001322938.2); c.1341T>C, p.Tyr447= (NM_001322939.2); c.723T>C, p.Tyr241= (NM_001322940.2, NM_001322941.2); c.*149T>C (NM_001322943.2, NM_001322944.2); c.285T>C, p.Tyr95= (NM_001374520.1); c.249T>C, p.Tyr83= (NM_001374521.1).
Identifiers: ClinVar variation 682285 (VCV000682285.5), dbSNP rs1583235798, ClinGen allele CA451901790.